The following is an entry in ClinVar:

ClinVar aggregate classification (germline): Uncertain significance (1 of 4 stars; one submission).

Conditions:
Combined immunodeficiency due to DOCK8 deficiency (HIES2). Also called: HIES autosomal recessive; Hyper-IgE recurrent infection syndrome, autosomal recessive; DOCK8 Deficiency; HYPER-IgE RECURRENT INFECTION SYNDROME 2, AUTOSOMAL RECESSIVE; HYPER-IgE SYNDROME 2, AUTOSOMAL RECESSIVE, WITH RECURRENT INFECTIONS. Identifiers: Orphanet 217390, MedGen C4722305, MONDO:0009478, OMIM 243700.

gnomAD v4.1: 3 of 1,612,618 alleles (0.00019%); no homozygotes.

Submission:

Labcorp Genetics (formerly Invitae), Labcorp
Classification: Uncertain significance for Combined immunodeficiency due to DOCK8 deficiency. Last evaluated: 2025-04-22. Review status: criteria provided, single submitter. Criteria: Invitae Variant Classification Sherloc (09022015). Collection method: clinical testing. Allele origin: germline.
Comment: This sequence change falls in intron 9 of the DOCK8 gene. It does not directly change the encoded amino acid sequence of the DOCK8 protein. It affects a nucleotide within the consensus splice site. This variant is present in population databases (rs756531163, gnomAD 0.0009%). This variant has not been reported in the literature in individuals affected with DOCK8-related conditions. Variants that disrupt the consensus splice site are a relatively common cause of aberrant splicing (PMID: 17576681, 9536098). Algorithms developed to predict the effect of sequence changes on RNA splicing suggest that this variant is not likely to affect RNA splicing. In summary, the available evidence is currently insufficient to determine the role of this variant in disease. Therefore, it has been classified as a Variant of Uncertain Significance.

Literature cited by the submitters: PubMed 17576681; PubMed 9536098.

NM_203447.4(DOCK8):c.1044+5T>C

Gene: DOCK8 (dedicator of cytokinesis 8; plus strand). Cytogenetic location: 9p24.3.
Variant type: single nucleotide variant.
Coding change: c.1044+5T>C on transcript NM_203447.4 (MANE Select); 5 bases into the intron after coding-DNA position 1044, T replaced by C.
Molecular consequence: intron variant.
Genome position (GRCh38, 1-based): chr9:328,176, T>C. VCF-style: chr9-328176-T-C. GRCh37 (hg19) VCF-style: chr9-328176-T-C.
Other names: c.840+5T>C (NM_001193536.2, NM_001190458.2).
Identifiers: ClinVar variation 4753879 (VCV004753879.1).
Genomic context (GRCh38, chr9:328,176, plus strand): 5'-GATCTGCAGTCTTCTCAGTCACCTACCCGTCCTCAGACATCTACCTGGTAGTCAAGGTAA[T>C]TCAGTACGATCTGATTTGCCCAATCTGATGTTTTCATTGCTGTGTTGTTCCCAGCACATG-3'